The following is an entry in ClinVar:

NM_020884.7(MYH7B):c.4190+7G>A

Gene: MYH7B (myosin heavy chain 7B; plus strand). Cytogenetic location: 20q11.22.
Variant type: single nucleotide variant.
Coding change: c.4190+7G>A on transcript NM_020884.7 (MANE Select); 7 bases into the intron after coding-DNA position 4190, G replaced by A.
Molecular consequence: intron variant.
Genome position (GRCh38, 1-based): chr20:34,998,922, G>A. VCF-style: chr20-34998922-G-A. GRCh37 (hg19) VCF-style: chr20-33586725-G-A.
Other names: c.4316+7G>A (NM_020884.4).
Identifiers: ClinVar variation 2054377 (VCV002054377.5), dbSNP rs370216109, ClinGen allele CA9828019.

ClinVar aggregate classification (germline): Benign/Likely benign. Review status: criteria provided, multiple submitters, no conflicts (2 of 4 stars). 2 submissions from 2 submitters: Benign (1); Likely benign (1). Last evaluated 2026-03-09.

Conditions:
MYH7B-related disorder. Also called: MYH7B-related condition.

Allele frequency attached by ClinVar (database versions not stated): gnomAD exomes 0.00008; ExAC 0.00038; gnomAD 0.00090; 1000 Genomes Project 30x 0.00109; TOPMed 0.00113; ESP Exome Variant Server 0.00131; 1000 Genomes Project 0.00140.
gnomAD v4.1: 264 of 1,609,932 alleles (0.016%); highest among the groups gnomAD compares: African/African-American, 0.3%; no homozygotes.

Submissions (2):

PreventionGenetics, part of Exact Sciences
Classification: Likely benign for MYH7B-related condition. Last evaluated: 2026-03-09. Review status: criteria provided, single submitter. Criteria: ACMG Guidelines, 2015. Collection method: clinical testing. Allele origin: germline.
Comment: This variant is classified as likely benign based on ACMG/AMP sequence variant interpretation guidelines (Richards et al. 2015 PMID: 25741868, with internal and published modifications).

Labcorp Genetics (formerly Invitae), Labcorp
Classification: Benign. Last evaluated: 2025-12-16. Review status: criteria provided, single submitter. Criteria: Invitae Variant Classification Sherloc (09022015). Collection method: clinical testing. Allele origin: germline.